The following is an entry in ClinVar:

ClinVar aggregate classification (germline): Uncertain significance (1 of 4 stars; one submission).

Conditions:
Nephronophthisis 9 (NPHP9). Identifiers: Orphanet 655, MedGen C3151188, MONDO:0013444, OMIM 613824.

Allele frequency attached by ClinVar (database versions not stated): ExAC 0.00001; gnomAD 0.00001; TOPMed 0.00005.
gnomAD v4.1: 26 of 1,613,916 alleles (0.0016%); highest among the groups gnomAD compares: Admixed American, 0.0033%; no homozygotes.

Submission:

Labcorp Genetics (formerly Invitae), Labcorp
Classification: Uncertain significance for Nephronophthisis 9. Last evaluated: 2025-12-17. Review status: criteria provided, single submitter. Criteria: Invitae Variant Classification Sherloc (09022015). Collection method: clinical testing. Allele origin: germline.
Comment: This sequence change replaces alanine, which is neutral and non-polar, with valine, which is neutral and non-polar, at codon 83 of the NEK8 protein (p.Ala83Val). This variant is present in population databases (rs769455568, gnomAD 0.004%). This variant has not been reported in the literature in individuals affected with NEK8-related conditions. ClinVar contains an entry for this variant (Variation ID: 2046735). An algorithm developed to predict the effect of missense changes on protein structure and function (PolyPhen-2) suggests that this variant is likely to be disruptive. In summary, the available evidence is currently insufficient to determine the role of this variant in disease. Therefore, it has been classified as a Variant of Uncertain Significance.

NM_178170.3(NEK8):c.248C>T (p.Ala83Val)

Gene: NEK8 (NIMA related kinase 8; plus strand). Cytogenetic location: 17q11.2.
Variant type: single nucleotide variant.
Coding change: c.248C>T on transcript NM_178170.3 (MANE Select); coding-DNA position 248, C replaced by T.
Protein change: p.Ala83Val; replaces alanine 83 with valine.
Molecular consequence: missense variant.
Genome position (GRCh38, 1-based): chr17:28,734,183, C>T. VCF-style: chr17-28734183-C-T. GRCh37 (hg19) VCF-style: chr17-27061201-C-T.
Other names: short protein forms A83V.
Identifiers: ClinVar variation 2046735 (VCV002046735.2), dbSNP rs769455568, ClinGen allele CA8467041.